The following is an entry in ClinVar:

NM_020066.5(FMN2):c.1869A>G (p.Pro623=)

Gene: FMN2 (formin 2; plus strand). Cytogenetic location: 1q43.
Variant type: single nucleotide variant.
Coding change: c.1869A>G on transcript NM_020066.5 (MANE Select); coding-DNA position 1869, A replaced by G.
Protein change: p.Pro623=; no amino-acid change (proline 623 retained).
Molecular consequence: synonymous variant.
Genome position (GRCh38, 1-based): chr1:240,178,007, A>G. VCF-style: chr1-240178007-A-G. GRCh37 (hg19) VCF-style: chr1-240341307-A-G.
Other names: c.1869A>G, p.Pro623= (NM_001305424.2, NM_001348094.2).
Identifiers: ClinVar variation 740479 (VCV000740479.29), dbSNP rs147945249, ClinGen allele CA1476442.

ClinVar aggregate classification (germline): Likely benign. Review status: criteria provided, multiple submitters, no conflicts (2 of 4 stars). 4 submissions from 4 submitters: Likely benign (3). 1 of the submissions does not count toward it. Last evaluated 2024-07-24.

Conditions:
FMN2-related disorder. Also called: FMN2-related condition.

Allele frequency attached by ClinVar (database versions not stated): gnomAD exomes 0.00009; ExAC 0.00010; 1000 Genomes Project 30x 0.00016; 1000 Genomes Project 0.00020; ESP Exome Variant Server 0.00038; gnomAD 0.00039 and 0.00041; TOPMed 0.00046.
gnomAD v4.1: 145 of 1,612,606 alleles (0.009%); highest among the groups gnomAD compares: African/African-American, 0.16%; 2 homozygotes.

Submissions (4):

Blueprint Genetics
Classification: Likely benign. Last evaluated: 2024-07-24. Review status: criteria provided, single submitter. Criteria: ACMG Guidelines, 2015. Collection method: clinical testing. Allele origin: germline.

CeGaT Center for Human Genetics Tuebingen
Classification: Likely benign. Last evaluated: 2023-10-01. Review status: criteria provided, single submitter. Criteria: CeGaT Center For Human Genetics Tuebingen Variant Classification Criteria Version 2. Collection method: clinical testing. Allele origin: germline. Affected: yes. Observed: 1 variant allele.
Comment: FMN2: BP4, BP7

Labcorp Genetics (formerly Invitae), Labcorp
Classification: Likely benign. Last evaluated: 2018-10-24. Review status: criteria provided, single submitter. Criteria: Invitae Variant Classification Sherloc (09022015). Collection method: clinical testing. Allele origin: germline.

PreventionGenetics, part of Exact Sciences
Classification: Likely benign for FMN2-related condition. Last evaluated: 2019-12-09. Review status: no assertion criteria provided. Collection method: clinical testing. Allele origin: germline. Not counted in ClinVar's aggregate classification.
Comment: This variant is classified as likely benign based on ACMG/AMP sequence variant interpretation guidelines (Richards et al. 2015 PMID: 25741868, with internal and published modifications).